The following is an entry in ClinVar:

NM_021922.3(FANCE):c.892T>A (p.Leu298Met)

Gene: FANCE (FA complementation group E; plus strand). Cytogenetic location: 6p21.31.
Variant type: single nucleotide variant.
Coding change: c.892T>A on transcript NM_021922.3 (MANE Select); coding-DNA position 892, T replaced by A.
Protein change: p.Leu298Met; replaces leucine 298 with methionine.
Molecular consequence: missense variant.
Genome position (GRCh38, 1-based): chr6:35,457,592, T>A. VCF-style: chr6-35457592-T-A. GRCh37 (hg19) VCF-style: chr6-35425369-T-A.
Other names: c.892T>A, p.Leu298Met (NM_001410876.1); short protein forms L298M.
Identifiers: ClinVar variation 2848450 (VCV002848450.3), dbSNP rs1296790141, ClinGen allele CA363774834.

ClinVar aggregate classification (germline): Uncertain significance (1 of 4 stars; one submission).

Conditions:
Fanconi anemia complementation group E (FANCE). Also called: FANCE-Related Fanconi Anemia. Identifiers: Orphanet 84, MedGen C3160739, MONDO:0010953, OMIM 600901.

Allele frequency attached by ClinVar (database versions not stated): gnomAD exomes 0.00001.
gnomAD v4.1: 14 of 1,613,836 alleles (0.00087%); highest among the groups gnomAD compares: Non-Finnish European, 0.0012%; no homozygotes.

Submission:

Labcorp Genetics (formerly Invitae), Labcorp
Classification: Uncertain significance for Fanconi anemia complementation group E. Last evaluated: 2023-07-25. Review status: criteria provided, single submitter. Criteria: Invitae Variant Classification Sherloc (09022015). Collection method: clinical testing. Allele origin: germline.
Comment: This sequence change replaces leucine, which is neutral and non-polar, with methionine, which is neutral and non-polar, at codon 298 of the FANCE protein (p.Leu298Met). In summary, the available evidence is currently insufficient to determine the role of this variant in disease. Therefore, it has been classified as a Variant of Uncertain Significance. Advanced modeling of protein sequence and biophysical properties (such as structural, functional, and spatial information, amino acid conservation, physicochemical variation, residue mobility, and thermodynamic stability) performed at Invitae indicates that this missense variant is not expected to disrupt FANCE protein function. This variant has not been reported in the literature in individuals affected with FANCE-related conditions. This variant is present in population databases (no rsID available, gnomAD 0.002%).